The following is an entry in ClinVar:

ClinVar aggregate classification (germline): Uncertain significance (1 of 4 stars; one submission).

Allele frequency attached by ClinVar (database versions not stated): gnomAD exomes below 0.00001.
gnomAD v4.1: 1 of 1,614,000 alleles (0.000062%); highest among the groups gnomAD compares: Admixed American, 0.0017%; no homozygotes.

Submission:

Ambry Genetics
Classification: Uncertain significance. Last evaluated: 2024-02-13. Review status: criteria provided, single submitter. Criteria: Ambry Variant Classification Scheme 2023. Collection method: clinical testing. Allele origin: germline.
Comment: The p.S602P variant (also known as c.1804T>C), located in coding exon 16 of the BUB1 gene, results from a T to C substitution at nucleotide position 1804. The serine at codon 602 is replaced by proline, an amino acid with similar properties. This amino acid position is conserved. In addition, this alteration is predicted to be tolerated by in silico analysis. Based on the available evidence, the clinical significance of this alteration remains unclear.

NM_004336.5(BUB1):c.1804T>C (p.Ser602Pro)

Gene: BUB1 (BUB1 mitotic checkpoint serine/threonine kinase; minus strand). Cytogenetic location: 2q13.
Variant type: single nucleotide variant.
Coding change: c.1804T>C on transcript NM_004336.5 (MANE Select); coding-DNA position 1804, T replaced by C.
Protein change: p.Ser602Pro; replaces serine 602 with proline.
Molecular consequence: missense variant.
Genome position (GRCh38, 1-based): chr2:110,655,811, A>G on the plus strand (T>C on the coding strand, the complement: BUB1 is on the minus strand). VCF-style: chr2-110655811-A-G. GRCh37 (hg19) VCF-style: chr2-111413388-A-G.
Other names: c.1744T>C, p.Ser582Pro (NM_001278616.2); c.1804T>C, p.Ser602Pro (NM_001278617.2); short protein forms S582P, S602P.
Identifiers: ClinVar variation 3224019 (VCV003224019.1), dbSNP rs2468001879, ClinGen allele CA348210750.